The following is an entry in ClinVar:

ClinVar aggregate classification (germline): Likely benign. Review status: criteria provided, single submitter (1 of 4 stars). 2 submissions from 2 submitters: Likely benign (1). 1 of the submissions does not count toward it. Last evaluated 2024-11-04.

Conditions:
IFT122-related disorder. Also called: IFT122-related condition.
Cranioectodermal dysplasia 1 (CED1). Also called: LEVIN SYNDROME I. Identifiers: Orphanet 1515, MedGen C0432235, MONDO:0021093, OMIM 218330.

Allele frequency attached by ClinVar (database versions not stated): gnomAD 0.00003; TOPMed 0.00003; gnomAD exomes 0.00006; ESP Exome Variant Server 0.00008.
gnomAD v4.1: 91 of 1,582,626 alleles (0.0057%); highest among the groups gnomAD compares: South Asian, 0.016%; 1 homozygote.

Submissions (2):

Labcorp Genetics (formerly Invitae), Labcorp
Classification: Likely benign for Cranioectodermal dysplasia 1. Last evaluated: 2024-11-04. Review status: criteria provided, single submitter. Criteria: Invitae Variant Classification Sherloc (09022015). Collection method: clinical testing. Allele origin: germline.

PreventionGenetics, part of Exact Sciences
Classification: Likely benign for IFT122-related condition. Last evaluated: 2020-10-20. Review status: no assertion criteria provided. Collection method: clinical testing. Allele origin: germline. Not counted in ClinVar's aggregate classification.
Comment: This variant is classified as likely benign based on ACMG/AMP sequence variant interpretation guidelines (Richards et al. 2015 PMID: 25741868, with internal and published modifications).

NM_052989.3(IFT122):c.3195G>A (p.Pro1065=)

Gene: IFT122 (intraflagellar transport 122; plus strand). Cytogenetic location: 3q22.1.
Variant type: single nucleotide variant.
Coding change: c.3195G>A on transcript NM_052989.3 (MANE Select); coding-DNA position 3195, G replaced by A.
Protein change: p.Pro1065=; no amino-acid change (proline 1065 retained).
Molecular consequence: synonymous variant.
Genome position (GRCh38, 1-based): chr3:129,515,529, G>A. VCF-style: chr3-129515529-G-A. GRCh37 (hg19) VCF-style: chr3-129234372-G-A.
Other names: c.3174G>A, p.Pro1058= (NM_001280541.2); c.2745G>A, p.Pro915= (NM_001280545.2); c.2568G>A, p.Pro856= (NM_001280546.2); c.3198G>A, p.Pro1066= (NM_001410808.1); c.3141G>A, p.Pro1047= (NM_001410809.1); c.3021G>A, p.Pro1007= (NM_001410810.1); c.2967G>A, p.Pro989= (NM_001410811.1); c.2964G>A, p.Pro988= (NM_001410813.1); and 6 more.
Identifiers: ClinVar variation 2731515 (VCV002731515.5), dbSNP rs372233532, ClinGen allele CA2606834.